The following is an entry in ClinVar:

ClinVar aggregate classification (germline): Pathogenic (1 of 4 stars; one submission).

Conditions:
DICER1-related tumor predisposition. Also called: DICER1 syndrome; DICER1-related pleuropulmonary blastoma cancer predisposition syndrome. Identifiers: Orphanet 284343, MedGen C3839822, MONDO:0100216.

Submission:

Labcorp Genetics (formerly Invitae), Labcorp
Classification: Pathogenic for DICER1-related tumor predisposition. Last evaluated: 2023-07-08. Review status: criteria provided, single submitter. Criteria: Invitae Variant Classification Sherloc (09022015). Collection method: clinical testing. Allele origin: germline.
Comment: This sequence change creates a premature translational stop signal (p.Lys1350*) in the DICER1 gene. It is expected to result in an absent or disrupted protein product. Loss-of-function variants in DICER1 are known to be pathogenic (PMID: 19556464, 21266384). This variant is not present in population databases (gnomAD no frequency). This variant has not been reported in the literature in individuals affected with DICER1-related conditions. For these reasons, this variant has been classified as Pathogenic.

Literature cited by the submitters: PubMed 19556464; PubMed 21266384.

NM_177438.3(DICER1):c.4048A>T (p.Lys1350Ter)

Gene: DICER1 (dicer 1, ribonuclease III; minus strand). Cytogenetic location: 14q32.13.
Variant type: single nucleotide variant.
Coding change: c.4048A>T on transcript NM_177438.3 (MANE Select); coding-DNA position 4048, A replaced by T.
Protein change: p.Lys1350Ter; replaces lysine 1350 with a stop codon.
Molecular consequence: nonsense. On other transcripts: non-coding transcript variant (6).
Genome position (GRCh38, 1-based): chr14:95,103,348, T>A on the plus strand (A>T on the coding strand, the complement: DICER1 is on the minus strand). VCF-style: chr14-95103348-T-A. GRCh37 (hg19) VCF-style: chr14-95569685-T-A.
Other names: c.3643A>T, p.Lys1215Ter (NM_001395690.1, NM_001395696.1, NM_001395687.1 and 2 more transcripts); c.3481A>T, p.Lys1161Ter (NM_001395691.1); c.4048A>T, p.Lys1350Ter (NM_001395692.1, NM_001395693.1, NM_001395694.1 and 13 more transcripts); c.2365A>T, p.Lys789Ter (NM_001395697.1); c.3766A>T, p.Lys1256Ter (NM_001395686.1); short protein forms K1350*, K1161*, K789*, K1215*, K1256*.
Identifiers: ClinVar variation 2738874 (VCV002738874.3), dbSNP rs2542683167, ClinGen allele CA390872874.
Genomic context (GRCh38, chr14:95,103,348, plus strand): 5'-AACCACTTTCAGGCACACTGAATAATTAACTGCTCAAAATAAAAAAATCATCTCTTACCT[T>A]TTTGCTTCTCATATATGAAAGGCGGCCCTCATGCGCATCAGGGTAAGTGCAAAATAGATA-3'